The following is an entry in ClinVar:

ClinVar aggregate classification (germline): Likely pathogenic (1 of 4 stars; one submission).

Conditions:
Cobalamin C disease. Also called: Cobalamin-C methylmalonic acidemia and homocystinuria; Methylmalonic acidemia and homocystinuria cblC type; Methylmalonic aciduria with homocystinuria cblC type; Methylmalonic aciduria and homocystinuria, Vitamin B12-responsive; Vitamin B12 metabolic defect with combined deficiency of methylmalonyl-CoA mutase and homocysteine:methyltetrahydrofolate methyltransferase; methylmalonic aciduria and homocystinuria type cblC. Identifiers: Orphanet 26, Orphanet 79282, MedGen C1848561, MONDO:0010184, OMIM 277400.

Submission:

Natera, Inc.
Classification: Likely pathogenic for Methylmalonic aciduria and homocystinuria cblC type. Last evaluated: 2024-05-29. Review status: criteria provided, single submitter. Criteria: Natera Variant Classification Schema (03/2026). Collection method: clinical testing. Allele origin: germline.
Comment: The c.-3_2delGCTATinsTTG variant in MMACHC is predicted to result in start loss due to disruption of the initiator methionine. This variant is expected to result in nonsense mediated decay, truncation, or a dysfunctional protein product. This variant is rare in the general population with a frequency below the threshold expected for the associated phenotype(s). Given the available evidence, this variant is classified as Likely Pathogenic.

NM_015506.3(MMACHC):c.-3_2delinsTTG (p.Met1fs)

Gene: MMACHC (metabolism of cobalamin associated C; plus strand). Cytogenetic location: 1p34.1.
Variant type: Indel.
Coding change: c.-3_2delinsTTG on transcript NM_015506.3 (MANE Select); 3 bases upstream of the start codon through coding-DNA position 2, GCTAT replaced by TTG.
Protein change: p.Met1fs; shifts the reading frame from methionine 1.
Molecular consequence: frameshift variant, initiator codon variant. On other transcripts: 5 prime UTR variant (1).
Genome position (GRCh38, 1-based): chr1:45,500,330-45,500,334, GCTAT replaced by TTG. VCF-style: chr1-45500330-GCTAT-TTG. GRCh37 (hg19) VCF-style: chr1-45966002-GCTAT-TTG.
Other names: c.-225_-221delinsTTG (NM_001330540.2); short protein forms M1fs.
Identifiers: ClinVar variation 4815860 (VCV004815860.1).